The following is an entry in ClinVar:

ClinVar aggregate classification (germline): Uncertain significance (1 of 4 stars; one submission).

Conditions:
Idiopathic generalized epilepsy. Also called: Generalised epilepsy; EIG. Identifiers: MedGen C0270850, MONDO:0005579, OMIM 600669.
Epilepsy, idiopathic generalized, susceptibility to, 13. Also called: EPILEPSY, JUVENILE MYOCLONIC, SUSCEPTIBILITY TO, 5. Identifiers: Orphanet 307, Orphanet 64280, MedGen C4013473, MONDO:0012627, OMIM 611136.
Epilepsy, childhood absence 4 (ECA4). Also called: EPILEPSY, CHILDHOOD ABSENCE, SUSCEPTIBILITY TO, 4. Identifiers: Orphanet 307, MedGen C1970160.

Submission:

Labcorp Genetics (formerly Invitae), Labcorp
Classification: Uncertain significance for Epilepsy, childhood absence 4; Epilepsy, idiopathic generalized, susceptibility to, 13; Idiopathic generalized epilepsy. Last evaluated: 2020-10-29. Review status: criteria provided, single submitter. Criteria: Invitae Variant Classification Sherloc (09022015). Collection method: clinical testing. Allele origin: germline.
Comment: In summary, the available evidence is currently insufficient to determine the role of this variant in disease. Therefore, it has been classified as a Variant of Uncertain Significance. Algorithms developed to predict the effect of missense changes on protein structure and function are either unavailable or do not agree on the potential impact of this missense change (SIFT: "Tolerated"; PolyPhen-2: "Probably Damaging"; Align-GVGD: "Class C0"). This variant has not been reported in the literature in individuals with GABRA1-related conditions. This variant is not present in population databases (ExAC no frequency). This sequence change replaces lysine with arginine at codon 418 of the GABRA1 protein (p.Lys418Arg). The lysine residue is highly conserved and there is a small physicochemical difference between lysine and arginine.

NM_001127644.2(GABRA1):c.1253A>G (p.Lys418Arg)

Gene: GABRA1 (gamma-aminobutyric acid type A receptor subunit alpha1; plus strand). Cytogenetic location: 5q34.
Variant type: single nucleotide variant.
Coding change: c.1253A>G on transcript NM_001127644.2 (MANE Select); coding-DNA position 1253, A replaced by G.
Protein change: p.Lys418Arg; replaces lysine 418 with arginine.
Molecular consequence: missense variant.
Genome position (GRCh38, 1-based): chr5:161,897,304, A>G. VCF-style: chr5-161897304-A-G. GRCh37 (hg19) VCF-style: chr5-161324310-A-G.
Other names: c.1253A>G, p.Lys418Arg (NM_000806.5, NM_001127643.2, NM_001127645.2 and 1 more transcripts); short protein forms K418R.
Identifiers: ClinVar variation 1026925 (VCV001026925.8), dbSNP rs1490107518, ClinGen allele CA362181067.
Genomic context (GRCh38, chr5:161,897,304, plus strand): 5'-AAGAGGTCAAGCCCGAAACAAAACCACCAGAACCCAAGAAAACCTTTAACAGTGTCAGCA[A>G]AATTGACCGACTGTCAAGAATAGCCTTCCCGCTGCTATTTGGAATCTTTAACTTAGTCTA-3'
Protein context (NP_001121116.1, residues 408-428): EPKKTFNSVS[Lys418Arg]IDRLSRIAFP